The following is an entry in ClinVar:

ClinVar aggregate classification (germline): Uncertain significance. Review status: criteria provided, multiple submitters, no conflicts (2 of 4 stars). 4 submissions from 4 submitters: Uncertain significance (4). Last evaluated 2024-10-09.

Conditions:
Inborn genetic diseases. Identifiers: MedGen C0950123, MeSH D030342.

Allele frequency attached by ClinVar (database versions not stated): gnomAD 0.00005; TOPMed 0.00006.
gnomAD v4.1: 57 of 1,586,812 alleles (0.0036%); highest among the groups gnomAD compares: Non-Finnish European, 0.0047%; no homozygotes.

Submissions (4):

Blueprint Genetics
Classification: Uncertain significance. Last evaluated: 2024-10-09. Review status: criteria provided, single submitter. Criteria: ACMG Guidelines, 2015. Collection method: clinical testing. Allele origin: germline.

Labcorp Genetics (formerly Invitae), Labcorp
Classification: Uncertain significance. Last evaluated: 2024-05-28. Review status: criteria provided, single submitter. Criteria: Invitae Variant Classification Sherloc (09022015). Collection method: clinical testing. Allele origin: germline.
Comment: This sequence change replaces threonine, which is neutral and polar, with lysine, which is basic and polar, at codon 302 of the KLF1 protein (p.Thr302Lys). The frequency data for this variant in the population databases is considered unreliable, as metrics indicate poor data quality at this position in the gnomAD database. This variant has not been reported in the literature in individuals affected with KLF1-related conditions. ClinVar contains an entry for this variant (Variation ID: 2353910). Advanced modeling of protein sequence and biophysical properties (such as structural, functional, and spatial information, amino acid conservation, physicochemical variation, residue mobility, and thermodynamic stability) performed at Invitae indicates that this missense variant is expected to disrupt KLF1 protein function with a positive predictive value of 80%. In summary, the available evidence is currently insufficient to determine the role of this variant in disease. Therefore, it has been classified as a Variant of Uncertain Significance.

Ambry Genetics
Classification: Uncertain significance for Inborn genetic diseases. Last evaluated: 2023-12-28. Review status: criteria provided, single submitter. Criteria: Ambry Variant Classification Scheme 2023. Collection method: clinical testing. Allele origin: germline.

Mayo Clinic Laboratories, Mayo Clinic
Classification: Uncertain significance. Last evaluated: 2022-06-21. Review status: criteria provided, single submitter. Criteria: ACMG Guidelines, 2015. Collection method: clinical testing. Allele origin: germline. Observed: 1 variant allele.
Comment: PM1

NM_006563.5(KLF1):c.905C>A (p.Thr302Lys)

Genes: KLF1 (KLF transcription factor 1; minus strand), LOC117125591 (CRISPRi-FlowFISH-validated PRDX2 and RAD23A regulatory element; plus strand). Cytogenetic location: 19p13.13.
Variant type: single nucleotide variant.
Coding change: c.905C>A on transcript NM_006563.5 (MANE Select); coding-DNA position 905, C replaced by A.
Protein change: p.Thr302Lys; replaces threonine 302 with lysine.
Molecular consequence: missense variant.
Genome position (GRCh38, 1-based): chr19:12,885,325, G>T on the plus strand (C>A on the coding strand, the complement: KLF1 is on the minus strand). VCF-style: chr19-12885325-G-T. GRCh37 (hg19) VCF-style: chr19-12996139-G-T.
Other names: p.Thr302Lys; short protein forms T302K.
Identifiers: ClinVar variation 2353910 (VCV002353910.6), dbSNP rs963532123, ClinGen allele CA305499510.